The following is an entry in ClinVar:

ClinVar aggregate classification (germline): Uncertain significance (1 of 4 stars; one submission).

Submission:

Labcorp Genetics (formerly Invitae), Labcorp
Classification: Uncertain significance. Last evaluated: 2022-02-20. Review status: criteria provided, single submitter. Criteria: Invitae Variant Classification Sherloc (09022015). Collection method: clinical testing. Allele origin: germline.
Comment: In summary, the available evidence is currently insufficient to determine the role of this variant in disease. Therefore, it has been classified as a Variant of Uncertain Significance. Algorithms developed to predict the effect of missense changes on protein structure and function are either unavailable or do not agree on the potential impact of this missense change (SIFT: "Tolerated"; PolyPhen-2: "Not Available"; Align-GVGD: "Class C0"). This variant has not been reported in the literature in individuals affected with ZCCHC8-related conditions. This variant is not present in population databases (gnomAD no frequency). This sequence change replaces glutamine, which is neutral and polar, with leucine, which is neutral and non-polar, at codon 408 of the ZCCHC8 protein (p.Gln408Leu).

NM_017612.5(ZCCHC8):c.1223A>T (p.Gln408Leu)

Gene: ZCCHC8 (zinc finger CCHC-type containing 8; minus strand). Cytogenetic location: 12q24.31.
Variant type: single nucleotide variant.
Coding change: c.1223A>T on transcript NM_017612.5 (MANE Select); coding-DNA position 1223, A replaced by T.
Protein change: p.Gln408Leu; replaces glutamine 408 with leucine.
Molecular consequence: missense variant.
Genome position (GRCh38, 1-based): chr12:122,478,210, T>A on the plus strand (A>T on the coding strand, the complement: ZCCHC8 is on the minus strand). VCF-style: chr12-122478210-T-A. GRCh37 (hg19) VCF-style: chr12-122962757-T-A.
Other names: c.992A>T, p.Gln331Leu (NM_001350935.2); c.926A>T, p.Gln309Leu (NM_001350936.2); c.509A>T, p.Gln170Leu (NM_001350937.2, NM_001350938.2); short protein forms Q331L, Q408L, Q170L, Q309L.
Identifiers: ClinVar variation 2100562 (VCV002100562.4), dbSNP rs2547199085, ClinGen allele CA387050990.